The following is an entry in ClinVar:

NM_001142800.2(EYS):c.862+2T>C

Gene: EYS (EGF-like photoreceptor maintenance factor; minus strand). Cytogenetic location: 6q12.
Variant type: single nucleotide variant.
Coding change: c.862+2T>C on transcript NM_001142800.2 (MANE Select); the canonical splice donor site of the intron after coding-DNA position 862, T replaced by C.
Molecular consequence: splice donor variant.
Genome position (GRCh38, 1-based): chr6:65,490,592, A>G on the plus strand (T>C on the coding strand, the complement: EYS is on the minus strand). VCF-style: chr6-65490592-A-G. GRCh37 (hg19) VCF-style: chr6-66200485-A-G.
Other names: c.862+2T>C (NM_001292009.2, NM_001142801.2, NM_198283.2).
Identifiers: ClinVar variation 2037962 (VCV002037962.5), dbSNP rs1766002955, ClinGen allele CA364788942.

ClinVar aggregate classification (germline): Likely pathogenic. Review status: criteria provided, multiple submitters, no conflicts (2 of 4 stars). 2 submissions from 2 submitters: Likely pathogenic (2). Last evaluated 2024-03-25.

Conditions:
Retinitis pigmentosa 25 (RP25). Identifiers: Orphanet 791, MedGen C1864446, MONDO:0011272, OMIM 602772.

Allele frequency attached by ClinVar (database versions not stated): gnomAD exomes below 0.00001; gnomAD 0.00001; TOPMed 0.00001.
gnomAD v4.1: 2 of 1,557,966 alleles (0.00013%); highest among the groups gnomAD compares: Non-Finnish European, 0.00018%; no homozygotes.

Submissions (2):

Baylor Genetics
Classification: Likely pathogenic for Retinitis pigmentosa 25. Last evaluated: 2024-03-25. Review status: criteria provided, single submitter. Criteria: ACMG Guidelines, 2015. Collection method: clinical testing. Allele origin: unknown.

Labcorp Genetics (formerly Invitae), Labcorp
Classification: Likely pathogenic. Last evaluated: 2022-06-23. Review status: criteria provided, single submitter. Criteria: Invitae Variant Classification Sherloc (09022015). Collection method: clinical testing. Allele origin: germline.
Comment: This sequence change affects a donor splice site in intron 5 of the EYS gene. It is expected to disrupt RNA splicing. Variants that disrupt the donor or acceptor splice site typically lead to a loss of protein function (PMID: 16199547), and loss-of-function variants in EYS are known to be pathogenic (PMID: 18836446, 20333770). This variant is not present in population databases (gnomAD no frequency). In summary, the currently available evidence indicates that the variant is pathogenic, but additional data are needed to prove that conclusively. Therefore, this variant has been classified as Likely Pathogenic. Algorithms developed to predict the effect of sequence changes on RNA splicing suggest that this variant may disrupt the consensus splice site. This variant has not been reported in the literature in individuals affected with EYS-related conditions.

Literature cited by the submitters: PubMed 16199547 (cited by Labcorp Genetics (formerly Invitae), Labcorp); PubMed 18836446 (cited by Labcorp Genetics (formerly Invitae), Labcorp); PubMed 20333770 (cited by Labcorp Genetics (formerly Invitae), Labcorp).